The following is an entry in ClinVar:

NM_001042492.3(NF1):c.4352A>G (p.Asn1451Ser)

Gene: NF1 (neurofibromin 1; plus strand). Cytogenetic location: 17q11.2.
Variant type: single nucleotide variant.
Coding change: c.4352A>G on transcript NM_001042492.3 (MANE Select); coding-DNA position 4352, A replaced by G.
Protein change: p.Asn1451Ser; replaces asparagine 1451 with serine.
Molecular consequence: missense variant.
Genome position (GRCh38, 1-based): chr17:31,259,051, A>G. VCF-style: chr17-31259051-A-G. GRCh37 (hg19) VCF-style: chr17-29586069-A-G.
Other names: c.4289A>G, p.Asn1430Ser (NM_000267.4); short protein forms N1430S, N1451S.
Identifiers: ClinVar variation 231417 (VCV000231417.14), dbSNP rs199474754, ClinGen allele CA10580311.

ClinVar aggregate classification (germline): Conflicting classifications of pathogenicity. Review status: criteria provided, conflicting classifications (1 of 4 stars). 5 submissions from 4 submitters: Uncertain significance (4); Likely benign (1). Last evaluated 2025-07-09.
ClinVar aggregate classification (somatic clinical impact): Tier I - Strong (1 of 4 stars; one submission).

Conditions:
Cardiovascular phenotype. Identifiers: MedGen CN230736.
Hereditary cancer-predisposing syndrome. Also called: Hereditary Cancer Syndrome; Neoplastic Syndromes, Hereditary; Tumor predisposition; Hereditary neoplastic syndrome. Identifiers: Orphanet 140162, MedGen C0027672, MeSH D009386, MONDO:0015356.
Neurofibromatosis, type 1 (NF1). Also called: Neurofibromatosis, type I; VON RECKLINGHAUSEN DISEASE; NEUROFIBROMATOSIS, TYPE I, SOMATIC; Peripheral type neurofibromatosis. Identifiers: Orphanet 636, MedGen C0027831, MONDO:0018975, OMIM 162200. Disease mechanism: loss of function.
Embryonal rhabdomyosarcoma (ERMS). Also called: Botryoid rhabdomyosarcoma (type of ERMS); Spindle cell rhabdomyosarcomas (type of ERMS). Identifiers: Orphanet 99757, MedGen C0206656, MONDO:0009993, HP:0006743.

Allele frequency attached by ClinVar (database versions not stated): TOPMed below 0.00001; gnomAD 0.00001.

Submissions (6):

Labcorp Genetics (formerly Invitae), Labcorp
Classification: Likely benign for Neurofibromatosis, type 1. Last evaluated: 2025-07-09. Review status: criteria provided, single submitter. Criteria: Invitae Variant Classification Sherloc (09022015). Collection method: clinical testing. Allele origin: germline.

Institute for Genomic Medicine (IGM) Clinical Laboratory, Nationwide Children's Hospital
Classification: Tier I - Strong for Embryonal rhabdomyosarcoma. Assertion type: diagnostic. Clinical significance: supports diagnosis. Last evaluated: 2023-02-18. Review status: criteria provided, single submitter. Criteria: AMP/ASCO/CAP Guidelines, 2017. Collection method: clinical testing. Allele origin: somatic. Affected: yes.
Comment: Variant has Tier I (strong) clinical significance as a diagnostic inclusion criterion in embryonal rhabdomyosarcoma, based on the following evidence: 1) Documented in one or more cancer databases (e.g., St. Jude Pecan, COSMIC, CIViC, OncoKB). 2) Appears in one or more well-established professional guidelines (e.g., World Health Organization [WHO]; National Comprehensive Cancer Network [NCCN]) as providing diagnostic, prognostic, or therapeutic information. 3) Information in the literature supports potential biologic effect of variant (PMID: 12787671). 4) Diagnostic for a specific tumor type/classification based on well-powered studies with expert-level consensus (Evidence Level B; PMIDs: 34166060, 24436047, 26138366, 21412928).

GeneDx
Classification: Uncertain significance. Last evaluated: 2022-06-02. Review status: criteria provided, single submitter. Criteria: GeneDx Variant Classification Process June 2021. Collection method: clinical testing. Allele origin: germline. Affected: yes.
Comment: Not observed at significant frequency in large population cohorts (gnomAD); In silico analysis supports that this missense variant has a deleterious effect on protein structure/function; Has not been previously published as pathogenic or benign to our knowledge; This variant is associated with the following publications: (PMID: 23913538, 25486365, 22807134, 27322474, 21567923, 16380919, 12787671)

Genome-Nilou Lab
Classification: Uncertain significance for Neurofibromatosis, type 1. Last evaluated: 2022-03-15. Review status: criteria provided, single submitter. Criteria: ACMG Guidelines, 2015. Collection method: clinical testing. Allele origin: germline. Affected: no.

Ambry Genetics
Classification: Uncertain significance for Cardiovascular phenotype; Hereditary cancer-predisposing syndrome. Last evaluated: 2019-07-23. Review status: criteria provided, single submitter. Criteria: Ambry Variant Classification Scheme 2023. Collection method: clinical testing. Allele origin: germline.

Ambry Genetics
Classification: Uncertain significance for Hereditary cancer-predisposing syndrome. Last evaluated: 2015-05-01. Review status: criteria provided, single submitter. Criteria: Ambry Autosomal Dominant and X-Linked criteria (10/2015). Collection method: clinical testing. Allele origin: germline. Observed: 1 variant allele.
Comment: The p.N1451S variant (also known as c.4352A>G), located in coding exon 33 of the NF1 gene, results from an A to G substitution at nucleotide position 4352. The asparagine at codon 1451 is replaced by serine, an amino acid with highly similar properties. This variant was not reported in population based cohorts in the following databases: Database of Single Nucleotide Polymorphisms (dbSNP), NHLBI Exome Sequencing Project (ESP), and 1000 Genomes Project. In the ESP, this variant was not observed in 6501 samples (13002 alleles) with coverage at this position. To date, this alteration has been detected with an allele frequency of approximately 0.002% (greater than 55000 alleles tested) in our clinical cohort.This amino acid position is highly conserved in available vertebrate species.In addition, the in silico prediction for this alteration is inconclusive.Since supporting evidence for this variant is limited at this time, the clinical significance of p.N1451Sremains unclear.

Literature cited by the submitters: PubMed 12787671 (cited by Institute for Genomic Medicine (IGM) Clinical Laboratory, Nationwide Children's Hospital); PubMed 34166060 (cited by Institute for Genomic Medicine (IGM) Clinical Laboratory, Nationwide Children's Hospital); PubMed 24436047 (cited by Institute for Genomic Medicine (IGM) Clinical Laboratory, Nationwide Children's Hospital); PubMed 26138366 (cited by Institute for Genomic Medicine (IGM) Clinical Laboratory, Nationwide Children's Hospital); PubMed 21412928 (cited by Institute for Genomic Medicine (IGM) Clinical Laboratory, Nationwide Children's Hospital); PubMed 16380919 (cited by Ambry Genetics).